The following is an entry in ClinVar:

ClinVar aggregate classification (germline): Likely benign. Review status: criteria provided, multiple submitters, no conflicts (2 of 4 stars). 4 submissions from 4 submitters: Likely benign (3). 1 of the submissions does not count toward it. Last evaluated 2026-04-03.

Conditions:
Inborn genetic diseases. Identifiers: MedGen C0950123, MeSH D030342.
CDH23-related disorder. Also called: CDH23-related disorders; CDH23-related condition.
Usher syndrome type 1 (USH1). Also called: RETINITIS PIGMENTOSA AND CONGENITAL DEAFNESS. Identifiers: Orphanet 231169, Orphanet 886, MedGen C1568247, MONDO:0010168, OMIM 276900.

Allele frequency attached by ClinVar (database versions not stated): ExAC 0.00001; gnomAD exomes 0.00002; TOPMed 0.00002; gnomAD 0.00003.
gnomAD v4.1: 31 of 1,613,722 alleles (0.0019%); highest among the groups gnomAD compares: African/African-American, 0.004%; no homozygotes.

Submissions (4):

PreventionGenetics, part of Exact Sciences
Classification: Likely benign for CDH23-related condition. Last evaluated: 2026-04-03. Review status: criteria provided, single submitter. Criteria: ACMG Guidelines, 2015. Collection method: clinical testing. Allele origin: germline.
Comment: This variant is classified as likely benign based on ACMG/AMP sequence variant interpretation guidelines (Richards et al. 2015 PMID: 25741868, with internal and published modifications).

Labcorp Genetics (formerly Invitae), Labcorp
Classification: Likely benign. Last evaluated: 2024-12-16. Review status: criteria provided, single submitter. Criteria: Invitae Variant Classification Sherloc (09022015). Collection method: clinical testing. Allele origin: germline.

Ambry Genetics
Classification: Likely benign for Inborn genetic diseases. Last evaluated: 2024-08-05. Review status: criteria provided, single submitter. Criteria: Ambry Variant Classification Scheme 2023. Collection method: clinical testing. Allele origin: germline.

Natera, Inc.
Classification: Uncertain significance for Usher syndrome type 1. Last evaluated: 2020-08-13. Review status: no assertion criteria provided. Collection method: clinical testing. Allele origin: germline. Not counted in ClinVar's aggregate classification.

NM_022124.6(CDH23):c.255C>T (p.Gly85=)

Genes: CDH23 (cadherin related 23; plus strand), CDH23-AS1 (CDH23 antisense RNA 1; minus strand). Cytogenetic location: 10q22.1.
Variant type: single nucleotide variant.
Coding change: c.255C>T on transcript NM_022124.6 (MANE Select); coding-DNA position 255, C replaced by T.
Protein change: p.Gly85=; no amino-acid change (glycine 85 retained).
Molecular consequence: synonymous variant.
Genome position (GRCh38, 1-based): chr10:71,510,191, C>T. VCF-style: chr10-71510191-C-T. GRCh37 (hg19) VCF-style: chr10-73269948-C-T.
Other names: c.255C>T, p.Gly85= (NM_052836.4, NM_001171930.2, NM_001171931.2 and 1 more transcripts); c.255C>T (NM_022124.5).
Identifiers: ClinVar variation 990902 (VCV000990902.9), dbSNP rs763083679, ClinGen allele CA5543332.